The following is an entry in ClinVar:

NM_001029896.2(WDR45):c.564C>T (p.Ile188=)

Gene: WDR45 (WD repeat domain 45; minus strand). Cytogenetic location: Xp11.23.
Variant type: single nucleotide variant.
Coding change: c.564C>T on transcript NM_001029896.2 (MANE Select); coding-DNA position 564, C replaced by T.
Protein change: p.Ile188=; no amino-acid change (isoleucine 188 retained).
Molecular consequence: synonymous variant.
Genome position (GRCh38, 1-based): chrX:49,075,706, G>A on the plus strand (C>T on the coding strand, the complement: WDR45 is on the minus strand). VCF-style: chrX-49075706-G-A. GRCh37 (hg19) VCF-style: chrX-48933365-G-A.
Other names: c.567C>T, p.Ile189= (NM_007075.4).
Identifiers: ClinVar variation 511948 (VCV000511948.10), dbSNP rs782454636, ClinGen allele CA10408493.

ClinVar aggregate classification (germline): Benign/Likely benign. Review status: criteria provided, multiple submitters, no conflicts (2 of 4 stars). 3 submissions from 3 submitters: Benign (1); Likely benign (2). Last evaluated 2025-10-31.

Conditions:
Neurodegeneration with brain iron accumulation 5 (NBIA5). Also called: STATIC ENCEPHALOPATHY OF CHILDHOOD WITH NEURODEGENERATION IN ADULTHOOD; Beta-propeller protein-associated neurodegeneration. Identifiers: Orphanet 329284, MedGen C3550973, MONDO:0010476, OMIM 300894.

Allele frequency attached by ClinVar (database versions not stated): ExAC 0.00004.
gnomAD v4.1: 7 of 1,208,851 alleles (0.00058%); highest among the groups gnomAD compares: Middle Eastern, 0.14%; no homozygotes.

Submissions (3):

Labcorp Genetics (formerly Invitae), Labcorp
Classification: Benign for Neurodegeneration with brain iron accumulation 5. Last evaluated: 2025-10-31. Review status: criteria provided, single submitter. Criteria: Invitae Variant Classification Sherloc (09022015). Collection method: clinical testing. Allele origin: germline.

Blueprint Genetics
Classification: Likely benign. Last evaluated: 2024-09-10. Review status: criteria provided, single submitter. Criteria: ACMG Guidelines, 2015. Collection method: clinical testing. Allele origin: germline.

GeneDx
Classification: Likely benign. Last evaluated: 2017-09-07. Review status: criteria provided, single submitter. Criteria: GeneDx Variant Classification (06012015). Collection method: clinical testing. Allele origin: germline. Affected: yes.
Comment: This variant is considered likely benign or benign based on one or more of the following criteria: it is a conservative change, it occurs at a poorly conserved position in the protein, it is predicted to be benign by multiple in silico algorithms, and/or has population frequency not consistent with disease.